The following is an entry in ClinVar:

NM_001018005.2(TPM1):c.78G>A (p.Glu26=)

Gene: TPM1 (tropomyosin 1; plus strand). Cytogenetic location: 15q22.2.
Variant type: single nucleotide variant.
Coding change: c.78G>A on transcript NM_001018005.2 (MANE Select); coding-DNA position 78, G replaced by A.
Protein change: p.Glu26=; no amino-acid change (glutamic acid 26 retained).
Molecular consequence: synonymous variant. On other transcripts: non-coding transcript variant (11).
Genome position (GRCh38, 1-based): chr15:63,042,907, G>A. VCF-style: chr15-63042907-G-A. GRCh37 (hg19) VCF-style: chr15-63335106-G-A.
Other names: c.78G>A, p.Glu26= (NM_000366.6, NM_001018004.2, NM_001018006.2 and 24 more transcripts).
Identifiers: ClinVar variation 3073021 (VCV003073021.2), dbSNP rs777981114, ClinGen allele CA034247.

ClinVar aggregate classification (germline): Likely benign. Review status: criteria provided, multiple submitters, no conflicts (2 of 4 stars). 2 submissions from 2 submitters: Likely benign (2). Last evaluated 2025-07-27.

Conditions:
Hypertrophic cardiomyopathy. Also called: HYPERTROPHIC MYOCARDIOPATHY. Identifiers: Orphanet 217569, MedGen C0007194, MeSH D002312, MONDO:0005045, HP:0001639.

Allele frequency attached by ClinVar (database versions not stated): gnomAD exomes 0.00001; ExAC 0.00001.
gnomAD v4.1: 3 of 1,610,790 alleles (0.00019%); highest among the groups gnomAD compares: African/African-American, 0.0013%; no homozygotes.

Submissions (2):

Labcorp Genetics (formerly Invitae), Labcorp
Classification: Likely benign for Hypertrophic cardiomyopathy. Last evaluated: 2025-07-27. Review status: criteria provided, single submitter. Criteria: Invitae Variant Classification Sherloc (09022015). Collection method: clinical testing. Allele origin: germline.

All of Us Research Program, National Institutes of Health
Classification: Likely benign for Hypertrophic cardiomyopathy. Last evaluated: 2023-08-28. Review status: criteria provided, single submitter. Criteria: ACMG Guidelines, 2015. Collection method: clinical testing. Allele origin: germline. Inheritance: Autosomal dominant inheritance. Observed: 3 variant alleles, 3 heterozygotes.
Comment: This study involves interpretation of variants in research participants for the purpose of population health screening. Participant phenotype was not available at the time of variant classification. Additional details can be found in publication PMID: 35346344, PMCID: PMC8962531